The following is an entry in ClinVar:

NM_003906.5(MCM3AP):c.3582-5_3582-4delinsAA

Gene: MCM3AP (minichromosome maintenance complex component 3 associated protein; minus strand). Cytogenetic location: 21q22.3.
Variant type: Indel.
Coding change: c.3582-5_3582-4delinsAA on transcript NM_003906.5 (MANE Select); 5 bases into the intron before coding-DNA position 3582 through 4 bases into the intron before coding-DNA position 3582, TC replaced by AA.
Molecular consequence: intron variant.
Genome position (GRCh38, 1-based): chr21:46,259,095-46,259,096, GA replaced by TT on the plus strand (TC replaced by AA on the coding strand, the reverse complement: MCM3AP is on the minus strand). VCF-style: chr21-46259095-GA-TT. GRCh37 (hg19) VCF-style: chr21-47679009-GA-TT.
Identifiers: ClinVar variation 1900572 (VCV001900572.4), dbSNP rs2517368483, ClinGen allele CA2580099019.

ClinVar aggregate classification (germline): Uncertain significance (1 of 4 stars; one submission).

Submission:

Labcorp Genetics (formerly Invitae), Labcorp
Classification: Uncertain significance. Last evaluated: 2025-01-05. Review status: criteria provided, single submitter. Criteria: Invitae Variant Classification Sherloc (09022015). Collection method: clinical testing. Allele origin: germline.
Comment: This sequence change falls in intron 15 of the MCM3AP gene. It does not directly change the encoded amino acid sequence of the MCM3AP protein. Information on the frequency of this variant in the gnomAD database is not available, as this variant may be reported differently in the database. This variant has not been reported in the literature in individuals affected with MCM3AP-related conditions. ClinVar contains an entry for this variant (Variation ID: 1900572). Experimental studies and prediction algorithms are not available or were not evaluated, and the effect of this variant on mRNA splicing is currently unknown. In summary, the available evidence is currently insufficient to determine the role of this variant in disease. Therefore, it has been classified as a Variant of Uncertain Significance.